The following is an entry in ClinVar:

ClinVar aggregate classification (germline): Uncertain significance (1 of 4 stars; one submission).

Conditions:
MEGF10-related myopathy (CMYO10A). Also called: Congenital myopathy 10A, severe variant. Identifiers: Orphanet 439212, MedGen C3280679, MONDO:0013731, OMIM 614399.

Allele frequency attached by ClinVar (database versions not stated): gnomAD 0.00001; gnomAD exomes 0.00001; ExAC 0.00002.
gnomAD v4.1: 20 of 1,613,606 alleles (0.0012%); highest among the groups gnomAD compares: Admixed American, 0.0017%; no homozygotes.

Submission:

Labcorp Genetics (formerly Invitae), Labcorp
Classification: Uncertain significance for MEGF10-related myopathy. Last evaluated: 2022-05-27. Review status: criteria provided, single submitter. Criteria: Invitae Variant Classification Sherloc (09022015). Collection method: clinical testing. Allele origin: germline.
Comment: Algorithms developed to predict the effect of missense changes on protein structure and function (SIFT, PolyPhen-2, Align-GVGD) all suggest that this variant is likely to be disruptive. This variant has not been reported in the literature in individuals affected with MEGF10-related conditions. This variant is present in population databases (rs750674329, gnomAD 0.004%). This sequence change replaces arginine, which is basic and polar, with cysteine, which is neutral and slightly polar, at codon 353 of the MEGF10 protein (p.Arg353Cys). In summary, the available evidence is currently insufficient to determine the role of this variant in disease. Therefore, it has been classified as a Variant of Uncertain Significance.

NM_001256545.2(MEGF10):c.1057C>T (p.Arg353Cys)

Gene: MEGF10 (multiple EGF like domains 10; plus strand). Cytogenetic location: 5q23.2.
Variant type: single nucleotide variant.
Coding change: c.1057C>T on transcript NM_001256545.2 (MANE Select); coding-DNA position 1057, C replaced by T.
Protein change: p.Arg353Cys; replaces arginine 353 with cysteine.
Molecular consequence: missense variant.
Genome position (GRCh38, 1-based): chr5:127,410,528, C>T. VCF-style: chr5-127410528-C-T. GRCh37 (hg19) VCF-style: chr5-126746220-C-T.
Other names: c.1057C>T, p.Arg353Cys (NM_001308119.2, NM_001308121.2, NM_032446.3); short protein forms R353C.
Identifiers: ClinVar variation 1369049 (VCV001369049.13), dbSNP rs750674329, ClinGen allele CA3391471.